The following is an entry in ClinVar:

ClinVar aggregate classification (germline): Pathogenic/Likely pathogenic. Review status: criteria provided, multiple submitters, no conflicts (2 of 4 stars). 3 submissions from 3 submitters: Pathogenic (1); Likely pathogenic (1). 1 of the submissions does not count toward it. Last evaluated 2025-08-21.

Conditions:
Leukoencephalopathy with vanishing white matter 2 (VWM2). Also called: EIF2B2-Related Childhood Ataxia with Central Nervous System Hypomyelination/Vanishing White Matter; Leukoencephalopathy with vanishing white matter 2, with or without ovarian failure. Identifiers: MedGen C5830404, MONDO:0957870, OMIM 620312.
Vanishing white matter disease. Also called: Childhood ataxia with diffuse central nervous system hypomyelination; Leukoencephalopathy with vanishing white matter; CACH/VWM syndrome; Cree leukoencehalopathy; CACH syndrome. Identifiers: Orphanet 135, Orphanet 99853, MedGen C1858991, MONDO:0800448.

Allele frequency attached by ClinVar (database versions not stated): ExAC 0.00001; gnomAD 0.00002; gnomAD exomes 0.00001.

Submissions (3):

Labcorp Genetics (formerly Invitae), Labcorp
Classification: Pathogenic. Last evaluated: 2025-08-21. Review status: criteria provided, single submitter. Criteria: Invitae Variant Classification Sherloc (09022015). Collection method: clinical testing. Allele origin: germline.
Comment: This sequence change replaces serine, which is neutral and polar, with phenylalanine, which is neutral and non-polar, at codon 171 of the EIF2B2 protein (p.Ser171Phe). This variant is present in population databases (rs104894428, gnomAD 0.004%). This missense change has been observed in individual(s) with EIF2B2-related conditions (PMID: 12707859, 15776425, 37267771). In at least one individual the data is consistent with being in trans (on the opposite chromosome) from a pathogenic variant. It has also been observed to segregate with disease in related individuals. ClinVar contains an entry for this variant (Variation ID: 4339). Invitae Evidence Modeling of protein sequence and biophysical properties (such as structural, functional, and spatial information, amino acid conservation, physicochemical variation, residue mobility, and thermodynamic stability) indicates that this missense variant is expected to disrupt EIF2B2 protein function with a positive predictive value of 80%. Experimental studies are conflicting or provide insufficient evidence to determine the effect of this variant on EIF2B2 function (PMID: 21560189). For these reasons, this variant has been classified as Pathogenic.

Women's Health and Genetics/Laboratory Corporation of America, LabCorp
Classification: Likely pathogenic for Vanishing white matter disease. Last evaluated: 2024-07-15. Review status: criteria provided, single submitter. Criteria: LabCorp Variant Classification Summary - May 2015. Collection method: clinical testing. Allele origin: germline.
Comment: Variant summary: EIF2B2 c.512C>T (p.Ser171Phe) results in a non-conservative amino acid change in the encoded protein sequence. Five of five in-silico tools predict a damaging effect of the variant on protein function. The variant allele was found at a frequency of 1.2e-05 in 251220 control chromosomes. c.512C>T has been reported in the literature in individuals affected with Leukoencephalopathy With Vanishing White Matter (example, Fogli_2003, Zerem_2023, Ohlenbusch_2005). These data indicate that the variant may be associated with disease. At least one publication reports experimental evidence evaluating an impact on protein function. These results showed no damaging effect of this variant in HEK 293 cells (Liu_2011). The following publications have been ascertained in the context of this evaluation (PMID: 12707859, 21560189, 15776425, 18519871, 37267771). ClinVar contains an entry for this variant (Variation ID: 4339). Based on the evidence outlined above, the variant was classified as likely pathogenic.

OMIM
Classification: Pathogenic for LEUKOENCEPHALOPATHY WITH VANISHING WHITE MATTER 2. Last evaluated: 2003-06-01. Review status: no assertion criteria provided. Collection method: literature only. Allele origin: germline. Not counted in ClinVar's aggregate classification.

Literature cited by the submitters: PubMed 12707859 (cited by 3 submitters); PubMed 15776425 (cited by Labcorp Genetics (formerly Invitae), Labcorp and Women's Health and Genetics/Laboratory Corporation of America, LabCorp); PubMed 37267771 (cited by Labcorp Genetics (formerly Invitae), Labcorp and Women's Health and Genetics/Laboratory Corporation of America, LabCorp); PubMed 21560189 (cited by Labcorp Genetics (formerly Invitae), Labcorp and Women's Health and Genetics/Laboratory Corporation of America, LabCorp); PubMed 18519871 (cited by Women's Health and Genetics/Laboratory Corporation of America, LabCorp).

NM_014239.4(EIF2B2):c.512C>T (p.Ser171Phe)

Gene: EIF2B2 (eukaryotic translation initiation factor 2B subunit beta; plus strand). Cytogenetic location: 14q24.3.
Variant type: single nucleotide variant.
Coding change: c.512C>T on transcript NM_014239.4 (MANE Select); coding-DNA position 512, C replaced by T.
Protein change: p.Ser171Phe; replaces serine 171 with phenylalanine.
Molecular consequence: missense variant.
Genome position (GRCh38, 1-based): chr14:75,004,815, C>T. VCF-style: chr14-75004815-C-T. GRCh37 (hg19) VCF-style: chr14-75471518-C-T.
Other names: short protein forms S171F.
Identifiers: ClinVar variation 4339 (VCV000004339.5), dbSNP rs104894428, ClinGen allele CA116772.
Genomic context (GRCh38, chr14:75,004,815, plus strand): 5'-TTGCAGCCCAGGCTCTGGAGCACATTCACTCCAATGAGGTGATCATGACCATTGGCTTCT[C>T]CCGAACAGTAGAGGCCTTCCTCAAAGAGGCTGCCCGAAAGAGGAAATTCCATGTCATTGT-3'
Protein context (NP_055054.1, residues 161-181): SNEVIMTIGF[Ser171Phe]RTVEAFLKEA